The following is an entry in ClinVar:

ClinVar aggregate classification (germline): Uncertain significance (1 of 4 stars; one submission).

Conditions:
Asphyxiating thoracic dystrophy 5 (SRTD5). Also called: SHORT-RIB THORACIC DYSPLASIA 5 WITH OR WITHOUT POLYDACTYLY; SHORT-RIB THORACIC DYSPLASIA 5 WITHOUT POLYDACTYLY. Identifiers: Orphanet 474, MedGen C3280598, MONDO:0013717, OMIM 614376.
Senior-Loken syndrome 8 (SLSN8). Identifiers: Orphanet 3156, MedGen C4225376, MONDO:0014579, OMIM 616307.

Allele frequency attached by ClinVar (database versions not stated): gnomAD exomes below 0.00001.
gnomAD v4.1: 1 of 1,613,658 alleles (0.000062%); highest among the groups gnomAD compares: Non-Finnish European, 0.000085%; no homozygotes.

Submission:

Labcorp Genetics (formerly Invitae), Labcorp
Classification: Uncertain significance for Senior-Loken syndrome 8; Asphyxiating thoracic dystrophy 5. Last evaluated: 2022-08-09. Review status: criteria provided, single submitter. Criteria: Invitae Variant Classification Sherloc (09022015). Collection method: clinical testing. Allele origin: germline.
Comment: This sequence change replaces isoleucine, which is neutral and non-polar, with valine, which is neutral and non-polar, at codon 695 of the WDR19 protein (p.Ile695Val). This variant is not present in population databases (gnomAD no frequency). This variant has not been reported in the literature in individuals affected with WDR19-related conditions. Algorithms developed to predict the effect of missense changes on protein structure and function are either unavailable or do not agree on the potential impact of this missense change (SIFT: "Deleterious"; PolyPhen-2: "Benign"; Align-GVGD: "Class C0"). In summary, the available evidence is currently insufficient to determine the role of this variant in disease. Therefore, it has been classified as a Variant of Uncertain Significance.

NM_025132.4(WDR19):c.2083A>G (p.Ile695Val)

Gene: WDR19 (WD repeat domain 19; plus strand). Cytogenetic location: 4p14.
Variant type: single nucleotide variant.
Coding change: c.2083A>G on transcript NM_025132.4 (MANE Select); coding-DNA position 2083, A replaced by G.
Protein change: p.Ile695Val; replaces isoleucine 695 with valine.
Molecular consequence: missense variant.
Genome position (GRCh38, 1-based): chr4:39,231,897, A>G. VCF-style: chr4-39231897-A-G. GRCh37 (hg19) VCF-style: chr4-39233517-A-G.
Other names: c.1603A>G, p.Ile535Val (NM_001317924.2); short protein forms I535V, I695V.
Identifiers: ClinVar variation 1715989 (VCV001715989.5), dbSNP rs2475203156, ClinGen allele CA356633953.
Genomic context (GRCh38, chr4:39,231,897, plus strand): 5'-GAGGCTGCCTGGAATGAGTTGGCCAGAGCTTGTCTACATCACATGGAAGTGGAGTTTGCA[A>G]TCCGTGTTTATCGGAGAATTGGAAATGTTGGCATAGTGATGTCCTTGGAACAAATAAAGG-3'
Protein context (NP_079408.3, residues 685-705): CLHHMEVEFA[Ile695Val]RVYRRIGNVG